The following is an entry in ClinVar:

ClinVar aggregate classification (germline): Uncertain significance. Review status: criteria provided, multiple submitters, no conflicts (2 of 4 stars). 2 submissions from 2 submitters: Uncertain significance (2). Last evaluated 2025-01-20.

Allele frequency attached by ClinVar (database versions not stated): TOPMed below 0.00001; ExAC 0.00001.
gnomAD v4.1: 6 of 1,612,714 alleles (0.00037%); highest among the groups gnomAD compares: African/African-American, 0.0013%; no homozygotes.

Submissions (2):

Labcorp Genetics (formerly Invitae), Labcorp
Classification: Uncertain significance. Last evaluated: 2025-01-20. Review status: criteria provided, single submitter. Criteria: Invitae Variant Classification Sherloc (09022015). Collection method: clinical testing. Allele origin: germline.
Comment: This sequence change replaces proline, which is neutral and non-polar, with leucine, which is neutral and non-polar, at codon 418 of the FGFR3 protein (p.Pro418Leu). The frequency data for this variant in the population databases is considered unreliable, as metrics indicate poor data quality at this position in the gnomAD database. This variant has not been reported in the literature in individuals affected with FGFR3-related conditions. ClinVar contains an entry for this variant (Variation ID: 2689065). Invitae Evidence Modeling of protein sequence and biophysical properties (such as structural, functional, and spatial information, amino acid conservation, physicochemical variation, residue mobility, and thermodynamic stability) has been performed for this missense variant. However, the output from this modeling did not meet the statistical confidence thresholds required to predict the impact of this variant on FGFR3 protein function. In summary, the available evidence is currently insufficient to determine the role of this variant in disease. Therefore, it has been classified as a Variant of Uncertain Significance.

Revvity Omics, Revvity
Classification: Uncertain significance. Last evaluated: 2023-05-22. Review status: criteria provided, single submitter. Criteria: ACMG Guidelines, 2015. Collection method: clinical testing. Allele origin: germline.

NM_000142.5(FGFR3):c.1253C>T (p.Pro418Leu)

Gene: FGFR3 (fibroblast growth factor receptor 3; plus strand). Cytogenetic location: 4p16.3.
Variant type: single nucleotide variant.
Coding change: c.1253C>T on transcript NM_000142.5 (MANE Select); coding-DNA position 1253, C replaced by T.
Protein change: p.Pro418Leu; replaces proline 418 with leucine.
Molecular consequence: missense variant. On other transcripts: non-coding transcript variant (1), intron variant (1).
Genome position (GRCh38, 1-based): chr4:1,804,507, C>T. VCF-style: chr4-1804507-C-T. GRCh37 (hg19) VCF-style: chr4-1806234-C-T.
Other names: c.1259C>T, p.Pro420Leu (NM_001163213.2); c.1253C>T, p.Pro418Leu (NM_001354809.2, NM_001354810.2); c.931-317C>T (NM_022965.4); short protein forms P418L, P420L.
Identifiers: ClinVar variation 2689065 (VCV002689065.5), dbSNP rs781361431, ClinGen allele CA2810322.
Genomic context (GRCh38, chr4:1,804,507, plus strand): 5'-TGCGCAGCCCCCCCAAGAAAGGCCTGGGCTCCCCCACCGTGCACAAGATCTCCCGCTTCC[C>T]GCTCAAGCGACAGGTAACAGAAAGTAGATACCAGGTTCTGAGCTGCCTGCCCGCCAGGCC-3'
Protein context (NP_000133.1, residues 408-428): SPTVHKISRF[Pro418Leu]LKRQVSLESN